The following is an entry in ClinVar:

ClinVar aggregate classification (germline): Uncertain significance (1 of 4 stars; one submission).

Submission:

Ambry Genetics
Classification: Uncertain significance. Last evaluated: 2023-07-29. Review status: criteria provided, single submitter. Criteria: Ambry Variant Classification Scheme 2023. Collection method: clinical testing. Allele origin: germline.
Comment: The p.V362F variant (also known as c.1084G>T), located in coding exon 7 of the IDH1 gene, results from a G to T substitution at nucleotide position 1084. The valine at codon 362 is replaced by phenylalanine, an amino acid with highly similar properties. This amino acid position is conserved. In addition, this alteration is predicted to be deleterious by in silico analysis. Since supporting evidence is limited at this time, the clinical significance of this alteration remains unclear.

NM_005896.4(IDH1):c.1084G>T (p.Val362Phe)

Gene: IDH1 (isocitrate dehydrogenase (NADP(+)) 1; minus strand). Cytogenetic location: 2q34.
Variant type: single nucleotide variant.
Coding change: c.1084G>T on transcript NM_005896.4 (MANE Select); coding-DNA position 1084, G replaced by T.
Protein change: p.Val362Phe; replaces valine 362 with phenylalanine.
Molecular consequence: missense variant.
Genome position (GRCh38, 1-based): chr2:208,239,141, C>A on the plus strand (G>T on the coding strand, the complement: IDH1 is on the minus strand). VCF-style: chr2-208239141-C-A. GRCh37 (hg19) VCF-style: chr2-209103865-C-A.
Other names: c.1084G>T, p.Val362Phe (NM_001282386.1, NM_001282387.1); short protein forms V362F.
Identifiers: ClinVar variation 2624909 (VCV002624909.2), dbSNP rs2124847431, ClinGen allele CA350094330.